The following is an entry in ClinVar:

ClinVar aggregate classification (germline): Uncertain significance. Review status: criteria provided, multiple submitters, no conflicts (2 of 4 stars). 2 submissions from 2 submitters: Uncertain significance (2). Last evaluated 2025-05-11.

Conditions:
Hereditary cancer-predisposing syndrome. Also called: Neoplastic Syndromes, Hereditary; Tumor predisposition; Hereditary Cancer Syndrome; Hereditary neoplastic syndrome. Identifiers: Orphanet 140162, MedGen C0027672, MeSH D009386, MONDO:0015356.
Ataxia-telangiectasia-like disorder (ATLD). Identifiers: MedGen C1858391, MONDO:0011457.

Allele frequency attached by ClinVar (database versions not stated): gnomAD 0.00001; TOPMed 0.00001.
gnomAD v4.1: 6 of 1,613,928 alleles (0.00037%); highest among the groups gnomAD compares: African/African-American, 0.0013%; no homozygotes.

Submissions (2):

Ambry Genetics
Classification: Uncertain significance for Hereditary cancer-predisposing syndrome. Last evaluated: 2025-05-11. Review status: criteria provided, single submitter. Criteria: Ambry Variant Classification Scheme 2023. Collection method: clinical testing. Allele origin: germline.
Comment: The p.H489R variant (also known as c.1466A>G), located in coding exon 12 of the MRE11A gene, results from an A to G substitution at nucleotide position 1466. The histidine at codon 489 is replaced by arginine, an amino acid with highly similar properties. This amino acid position is well conserved in available vertebrate species. In addition, this alteration is predicted to be tolerated by in silico analysis. Since supporting evidence is limited at this time, the clinical significance of this alteration remains unclear.

Labcorp Genetics (formerly Invitae), Labcorp
Classification: Uncertain significance for Ataxia-telangiectasia-like disorder. Last evaluated: 2022-08-16. Review status: criteria provided, single submitter. Criteria: Invitae Variant Classification Sherloc (09022015). Collection method: clinical testing. Allele origin: germline.
Comment: This sequence change replaces histidine, which is basic and polar, with arginine, which is basic and polar, at codon 489 of the MRE11 protein (p.His489Arg). This variant is not present in population databases (gnomAD no frequency). This variant has not been reported in the literature in individuals affected with MRE11-related conditions. ClinVar contains an entry for this variant (Variation ID: 483646). Algorithms developed to predict the effect of missense changes on protein structure and function (SIFT, PolyPhen-2, Align-GVGD) all suggest that this variant is likely to be tolerated. In summary, the available evidence is currently insufficient to determine the role of this variant in disease. Therefore, it has been classified as a Variant of Uncertain Significance.

NM_005591.4(MRE11):c.1466A>G (p.His489Arg)

Gene: MRE11 (MRE11 double strand break repair nuclease; minus strand). Cytogenetic location: 11q21.
Variant type: single nucleotide variant.
Coding change: c.1466A>G on transcript NM_005591.4 (MANE Select); coding-DNA position 1466, A replaced by G.
Protein change: p.His489Arg; replaces histidine 489 with arginine.
Molecular consequence: missense variant.
Genome position (GRCh38, 1-based): chr11:94,459,442, T>C on the plus strand (A>G on the coding strand, the complement: MRE11 is on the minus strand). VCF-style: chr11-94459442-T-C. GRCh37 (hg19) VCF-style: chr11-94192608-T-C.
Other names: c.1466A>G, p.His489Arg (NM_001330347.2, NM_005590.4); short protein forms H489R.
Identifiers: ClinVar variation 483646 (VCV000483646.10), dbSNP rs1212127220, ClinGen allele CA382371737.